The following is an entry in ClinVar:

ClinVar aggregate classification (germline): Uncertain significance (1 of 4 stars; one submission).

Conditions:
Leber congenital amaurosis 3 (LCA3). Also called: SPATA7-Related Retinitis Pigmentosa. Identifiers: MedGen C1858677, MONDO:0011415, OMIM 604232.

Allele frequency attached by ClinVar (database versions not stated): TOPMed below 0.00001; gnomAD 0.00001; gnomAD exomes 0.00001.
gnomAD v4.1: 12 of 1,613,884 alleles (0.00074%); highest among the groups gnomAD compares: Non-Finnish European, 0.001%; no homozygotes.

Submission:

Labcorp Genetics (formerly Invitae), Labcorp
Classification: Uncertain significance for Leber congenital amaurosis 3. Last evaluated: 2021-04-08. Review status: criteria provided, single submitter. Criteria: Invitae Variant Classification Sherloc (09022015). Collection method: clinical testing. Allele origin: germline.
Comment: Algorithms developed to predict the effect of missense changes on protein structure and function (SIFT, PolyPhen-2, Align-GVGD) all suggest that this variant is likely to be tolerated, but these predictions have not been confirmed by published functional studies and their clinical significance is uncertain. This variant has not been reported in the literature in individuals with SPATA7-related conditions. This variant is not present in population databases (ExAC no frequency). This sequence change replaces histidine with asparagine at codon 158 of the SPATA7 protein (p.His158Asn). The histidine residue is moderately conserved and there is a small physicochemical difference between histidine and asparagine. In summary, the available evidence is currently insufficient to determine the role of this variant in disease. Therefore, it has been classified as a Variant of Uncertain Significance.

NM_018418.5(SPATA7):c.472C>A (p.His158Asn)

Gene: SPATA7 (spermatogenesis associated 7; plus strand). Cytogenetic location: 14q31.3.
Variant type: single nucleotide variant.
Coding change: c.472C>A on transcript NM_018418.5 (MANE Select); coding-DNA position 472, C replaced by A.
Protein change: p.His158Asn; replaces histidine 158 with asparagine.
Molecular consequence: missense variant.
Genome position (GRCh38, 1-based): chr14:88,426,331, C>A. VCF-style: chr14-88426331-C-A. GRCh37 (hg19) VCF-style: chr14-88892675-C-A.
Other names: c.376C>A, p.His126Asn (NM_001040428.4); short protein forms H126N, H158N.
Identifiers: ClinVar variation 1422149 (VCV001422149.8), dbSNP rs1296975092, ClinGen allele CA390562229.
Genomic context (GRCh38, chr14:88,426,331, plus strand): 5'-GAAGAAATGAATGGATTTTCATCCTTTGCAAGGTCACTAGTACCCTCTTCAGAGAGACTA[C>A]ACCTAAGTCTACATAAATCCAGTAAAGTCATCACAAATGGTCCTGAGAAGAACTCCAGTT-3'
Protein context (NP_060888.2, residues 148-168): RSLVPSSERL[His158Asn]LSLHKSSKVI